The following is an entry in ClinVar:

NM_005422.4(TECTA):c.5326G>A (p.Glu1776Lys)

Genes: TBCEL-TECTA (TBCEL-TECTA readthrough; plus strand), TECTA (tectorin alpha; plus strand). Cytogenetic location: 11q23.3.
Variant type: single nucleotide variant.
Coding change: c.5326G>A on transcript NM_005422.4 (MANE Select); coding-DNA position 5326, G replaced by A.
Protein change: p.Glu1776Lys; replaces glutamic acid 1776 with lysine.
Molecular consequence: missense variant.
Genome position (GRCh38, 1-based): chr11:121,165,326, G>A. VCF-style: chr11-121165326-G-A. GRCh37 (hg19) VCF-style: chr11-121036035-G-A.
Other names: c.6268G>A, p.Glu2090Lys (NM_001378761.1); short protein forms E1776K, E2090K.
Identifiers: ClinVar variation 3175677 (VCV003175677.1), dbSNP rs1418011992, ClinGen allele CA383033341.
Genomic context (GRCh38, chr11:121,165,326, plus strand): 5'-TTTTTAGCAGGAGTGGTTGAAGATCCCTGTGTGGGGGCGGACTGTCCCAACCGAACTTGC[G>A]AGCTGGGCAATGGCAGGGAGCTGTGTGGCTGCATCGAGCCACCCCCCTATGGAAATAGTG-3'
Protein context (NP_005413.2, residues 1766-1786): VGADCPNRTC[Glu1776Lys]LGNGRELCGC

ClinVar aggregate classification (germline): Uncertain significance (1 of 4 stars; one submission).

Conditions:
Inborn genetic diseases. Identifiers: MedGen C0950123, MeSH D030342.

Allele frequency attached by ClinVar (database versions not stated): TOPMed below 0.00001.
gnomAD v4.1: 4 of 1,608,744 alleles (0.00025%); highest among the groups gnomAD compares: South Asian, 0.0011%; no homozygotes.

Submission:

Ambry Genetics
Classification: Uncertain significance for Inborn genetic diseases. Last evaluated: 2023-11-17. Review status: criteria provided, single submitter. Criteria: Ambry Variant Classification Scheme 2023. Collection method: clinical testing. Allele origin: germline.
Comment: The c.5326G>A (p.E1776K) alteration is located in exon 16 (coding exon 16) of the TECTA gene. This alteration results from a G to A substitution at nucleotide position 5326, causing the glutamic acid (E) at amino acid position 1776 to be replaced by a lysine (K). Based on data from gnomAD, the A allele has an overall frequency of 0.001% (2/240718) total alleles studied. The highest observed frequency was 0.017% (1/5916) of Other alleles. This amino acid position is highly conserved in available vertebrate species. The in silico prediction for this alteration is inconclusive. Based on insufficient or conflicting evidence, the clinical significance of this alteration remains unclear.